The following is an entry in ClinVar:

ClinVar aggregate classification (germline): Uncertain significance (1 of 4 stars; one submission).

Conditions:
Early Myoclonic Encephalopathy. Identifiers: MedGen C0270855.

gnomAD v4.1: 3 of 1,613,898 alleles (0.00019%); highest among the groups gnomAD compares: Non-Finnish European, 0.00025%; no homozygotes.

Submission:

Labcorp Genetics (formerly Invitae), Labcorp
Classification: Uncertain significance for Early Myoclonic Encephalopathy. Last evaluated: 2020-02-10. Review status: criteria provided, single submitter. Criteria: Invitae Variant Classification Sherloc (09022015). Collection method: clinical testing. Allele origin: germline.
Comment: In summary, the available evidence is currently insufficient to determine the role of this variant in disease. Therefore, it has been classified as a Variant of Uncertain Significance. This variant has not been reported in the literature in individuals with JMJD1C-related conditions. This sequence change replaces histidine with arginine at codon 166 of the JMJD1C protein (p.His166Arg). The histidine residue is weakly conserved and there is a small physicochemical difference between histidine and arginine. This variant is not present in population databases (ExAC no frequency). Algorithms developed to predict the effect of missense changes on protein structure and function (SIFT, PolyPhen-2, Align-GVGD) all suggest that this variant is likely to be tolerated, but these predictions have not been confirmed by published functional studies and their clinical significance is uncertain. Algorithms developed to predict the effect of sequence changes on RNA splicing suggest that this variant may create or strengthen a splice site, but this prediction has not been confirmed by published transcriptional studies.

NM_032776.3(JMJD1C):c.497A>G (p.His166Arg)

Gene: JMJD1C (jumonji domain containing 1C; minus strand). Cytogenetic location: 10q21.3.
Variant type: single nucleotide variant.
Coding change: c.497A>G on transcript NM_032776.3 (MANE Select); coding-DNA position 497, A replaced by G.
Protein change: p.His166Arg; replaces histidine 166 with arginine.
Molecular consequence: missense variant. On other transcripts: 5 prime UTR variant (3), intron variant (2).
Genome position (GRCh38, 1-based): chr10:63,219,934, T>C on the plus strand (A>G on the coding strand, the complement: JMJD1C is on the minus strand). VCF-style: chr10-63219934-T-C. GRCh37 (hg19) VCF-style: chr10-64979694-T-C.
Other names: c.-50A>G (NM_001282948.2, NM_001318154.2); c.-372A>G (NM_001318153.2); c.383A>G, p.His128Arg (NM_001322252.2); c.-104-2603A>G (NM_001322258.2, NM_001322254.2); short protein forms H166R, H128R.
Identifiers: ClinVar variation 948008 (VCV000948008.9), dbSNP rs752290836, ClinGen allele CA377054062.